The following is an entry in ClinVar:

NM_000093.5(COL5A1):c.2390C>T (p.Ala797Val)

Gene: COL5A1 (collagen type V alpha 1 chain; plus strand). Cytogenetic location: 9q34.3.
Variant type: single nucleotide variant.
Coding change: c.2390C>T on transcript NM_000093.5 (MANE Select); coding-DNA position 2390, C replaced by T.
Protein change: p.Ala797Val; replaces alanine 797 with valine.
Molecular consequence: missense variant.
Genome position (GRCh38, 1-based): chr9:134,780,106, C>T. VCF-style: chr9-134780106-C-T. GRCh37 (hg19) VCF-style: chr9-137671952-C-T.
Other names: c.2390C>T (NM_000093.3); c.2390C>T, p.Ala797Val (NM_001278074.1); short protein forms A797V.
Identifiers: ClinVar variation 648784 (VCV000648784.12), dbSNP rs745370910, ClinGen allele CA5319319.

ClinVar aggregate classification (germline): Conflicting classifications of pathogenicity. Review status: criteria provided, conflicting classifications (1 of 4 stars). 3 submissions from 3 submitters: Uncertain significance (2); Likely benign (1). Last evaluated 2025-05-11.

Conditions:
Ehlers-Danlos syndrome, classic type, 1 (EDSCL1). Also called: EDS I; EHLERS-DANLOS SYNDROME, GRAVIS TYPE; EHLERS-DANLOS SYNDROME, SEVERE CLASSIC TYPE; Ehlers-Danlos Syndrome, Classic Type, COL5A1-Related; Ehlers-Danlos syndrome, type 1. Identifiers: MedGen C0268335, MONDO:0019567, OMIM 130000.
Ehlers-Danlos syndrome (EDS). Identifiers: Orphanet 98249, MedGen C0013720, MONDO:0020066.

Allele frequency attached by ClinVar (database versions not stated): gnomAD 0.00001; gnomAD exomes 0.00001; TOPMed below 0.00001; ExAC 0.00001.
gnomAD v4.1: 29 of 1,613,354 alleles (0.0018%); highest among the groups gnomAD compares: Non-Finnish European, 0.0023%; no homozygotes.

Submissions (3):

Labcorp Genetics (formerly Invitae), Labcorp
Classification: Likely benign for Ehlers-Danlos syndrome, classic type, 1. Last evaluated: 2025-05-11. Review status: criteria provided, single submitter. Criteria: Invitae Variant Classification Sherloc (09022015). Collection method: clinical testing. Allele origin: germline.

GeneDx
Classification: Uncertain significance. Last evaluated: 2021-01-28. Review status: criteria provided, single submitter. Criteria: GeneDx Variant Classification Process June 2021. Collection method: clinical testing. Allele origin: germline. Affected: yes.
Comment: Has not been previously published as pathogenic or benign to our knowledge; Not observed at a significant frequency in large population cohorts (Lek et al., 2016); In silico analysis supports that this missense variant does not alter protein structure/function; Occurs in the triple helical domain at the X position in the canonical Gly-X-Y repeat; although this variant may have an effect on normal protein folding and function, missense substitution at the X position is not a common mechanism of disease (Symoens et al., 2012; Stenson et al., 2014); Reported in ClinVar as a variant of uncertain significance (ClinVar Variant ID# 648784; Landrum et al., 2016)

Genome Diagnostics Laboratory, The Hospital for Sick Children
Classification: Uncertain significance for Ehlers-Danlos syndrome. Last evaluated: 2021-01-06. Review status: criteria provided, single submitter. Criteria: ACMG Guidelines, 2015. Collection method: clinical testing. Allele origin: germline.